The following is an entry in ClinVar:

NM_000414.4(HSD17B4):c.1537C>A (p.Pro513Thr)

Gene: HSD17B4 (hydroxysteroid 17-beta dehydrogenase 4; plus strand). Cytogenetic location: 5q23.1.
Variant type: single nucleotide variant.
Coding change: c.1537C>A on transcript NM_000414.4 (MANE Select); coding-DNA position 1537, C replaced by A.
Protein change: p.Pro513Thr; replaces proline 513 with threonine.
Molecular consequence: missense variant. On other transcripts: non-coding transcript variant (2).
Genome position (GRCh38, 1-based): chr5:119,525,249, C>A. VCF-style: chr5-119525249-C-A. GRCh37 (hg19) VCF-style: chr5-118860944-C-A.
Other names: c.1537C>A (NM_000414.3); c.1612C>A, p.Pro538Thr (NM_001199291.3); c.1483C>A, p.Pro495Thr (NM_001199292.2); c.1465C>A, p.Pro489Thr (NM_001292027.2, NM_001374498.1); c.1117C>A, p.Pro373Thr (NM_001292028.2); c.1528C>A, p.Pro510Thr (NM_001374497.1); c.1210C>A, p.Pro404Thr (NM_001374499.1); c.1096C>A, p.Pro366Thr (NM_001374500.1); and 1 more; short protein forms P366T, P373T, P376T, P404T, P489T, P495T, P510T, P513T.
Identifiers: ClinVar variation 1074454 (VCV001074454.13), dbSNP rs764300456, ClinGen allele CA3382304.

ClinVar aggregate classification (germline): Conflicting classifications of pathogenicity. Review status: criteria provided, conflicting classifications (1 of 4 stars). 4 submissions from 4 submitters: Pathogenic (1); Likely pathogenic (2); Uncertain significance (1). Last evaluated 2025-08-05.

Conditions:
HSD17B4-related disorder. Also called: HSD17B4-related disorders; HSD17B4-related condition.
Bifunctional peroxisomal enzyme deficiency (DBIF). Also called: DBP DEFICIENCY; PBFE DEFICIENCY; D-bifunctional protein deficiency. Identifiers: Orphanet 300, MedGen C0342870, MONDO:0009855, OMIM 261515. Disease mechanism: loss of function.
Perrault syndrome. Also called: Gonadal dysgenesis with auditory dysfunction, autosomal recessive inheritance. Identifiers: Orphanet 2855, MedGen C0685838, MONDO:0017312.

Allele frequency attached by ClinVar (database versions not stated): gnomAD exomes below 0.00001; ExAC 0.00001.
gnomAD v4.1: 2 of 1,612,264 alleles (0.00012%); highest among the groups gnomAD compares: East Asian, 0.0045%; no homozygotes.

Submissions (4):

3billion
Classification: Likely pathogenic for HSD17B4-related disorder. Last evaluated: 2025-08-05. Review status: criteria provided, single submitter. Criteria: ACMG Guidelines, 2015. Collection method: clinical testing. Allele origin: germline. Affected: yes.
Comment: The variant is observed at an extremely low frequency in the gnomAD v4.1.0 dataset (total allele frequency: <0.001%). Predicted Consequence/Location: Missense variant. The majority of the known disease-causing variants of this gene are variants expected to result in premature termination of the protein. In silico tool predictions suggest damaging effect of the variant on gene or gene product [REVEL: 0.96 (>=0.6, sensitivity 0.68 and specificity 0.92)]. The same nucleotide change resulting in the same amino acid change has been previously reported to be associated with HSD17B4-related disorder (ClinVar ID: VCV001074454 /PMID: 24108619). The variant has been reported to be in trans with a pathogenic variant as either compound heterozygous or homozygous in at least one similarly affected unrelated individual (PMID: 24553428). A different missense change at the same codon (p.Pro513Leu) has been reported to be associated with HSD17B4-related disorder (ClinVar ID: VCV000137618). Therefore, this variant is classified as Likely pathogenic according to the recommendation of ACMG/AMP guideline.

Natera, Inc.
Classification: Likely pathogenic for Bifunctional peroxisomal enzyme deficiency. Last evaluated: 2025-01-16. Review status: criteria provided, single submitter. Criteria: Natera Variant Classification Schema (03/2026). Collection method: clinical testing. Allele origin: germline.
Comment: The c.1537C>A variant in HSD17B4 is a missense variant predicted to cause substitution of proline to threonine at amino acid 513. This variant is rare in the general population with a frequency below the threshold expected for the associated phenotype(s). This variant has been observed in one or more individuals affected with the associated recessive disease, as either homozygous or compound heterozygous with a second variant (PMID: 24553428). Additionally, this variant has been observed to segregate in affected family members (PMID: 24553428). Computational prediction algorithms indicate this variant is likely to affect gene or protein function. Given the available evidence, this variant is classified as Likely Pathogenic.

Myriad Genetics, Inc.
Classification: Uncertain significance for Bifunctional peroxisomal enzyme deficiency. Last evaluated: 2024-10-29. Review status: criteria provided, single submitter. Criteria: Myriad Autosomal Dominant, Autosomal Recessive and X-Linked Classification Criteria (2023). Collection method: clinical testing. Allele origin: unknown.
Comment: NM_000414.3(HSD17B4):c.1537C>A(P513T) is a missense variant classified as a variant of uncertain significance in the context of HSD17B4-related disorders. P513T has been observed in a case with relevant disease (PMID: 24553428). Relevant functional assessments of this variant are not available in the literature. P513T has been observed in referenced population frequency databases. In summary, there is insufficient evidence to classify NM_000414.3(HSD17B4):c.1537C>A(P513T) as pathogenic or benign. Please note: this variant was assessed in the context of healthy population screening.

Labcorp Genetics (formerly Invitae), Labcorp
Classification: Pathogenic for Perrault syndrome; Bifunctional peroxisomal enzyme deficiency. Last evaluated: 2024-03-25. Review status: criteria provided, single submitter. Criteria: Invitae Variant Classification Sherloc (09022015). Collection method: clinical testing. Allele origin: germline.
Comment: This sequence change replaces proline, which is neutral and non-polar, with threonine, which is neutral and polar, at codon 513 of the HSD17B4 protein (p.Pro513Thr). This variant is not present in population databases (gnomAD no frequency). This missense change has been observed in individual(s) with D-bifunctional protein deficiency (PMID: 24108619, 24553428). In at least one individual the data is consistent with being in trans (on the opposite chromosome) from a pathogenic variant. It has also been observed to segregate with disease in related individuals. ClinVar contains an entry for this variant (Variation ID: 1074454). Advanced modeling of protein sequence and biophysical properties (such as structural, functional, and spatial information, amino acid conservation, physicochemical variation, residue mobility, and thermodynamic stability) performed at Invitae indicates that this missense variant is expected to disrupt HSD17B4 protein function with a positive predictive value of 95%. For these reasons, this variant has been classified as Pathogenic.

Literature cited by the submitters: PubMed 24553428 (cited by 4 submitters); PubMed 24108619 (cited by 3billion and Labcorp Genetics (formerly Invitae), Labcorp).